The following is an entry in ClinVar:

NM_021267.5(CERS1):c.785A>G (p.Lys262Arg)

Genes: CERS1 (ceramide synthase 1; minus strand), GDF1 (growth differentiation factor 1; minus strand). Cytogenetic location: 19p13.11.
Variant type: single nucleotide variant.
Coding change: c.785A>G on transcript NM_021267.5 (MANE Select); coding-DNA position 785, A replaced by G.
Protein change: p.Lys262Arg; replaces lysine 262 with arginine.
Molecular consequence: missense variant. On other transcripts: 5 prime UTR variant (1), intron variant (1).
Genome position (GRCh38, 1-based): chr19:18,879,356, T>C on the plus strand (A>G on the coding strand, the complement: CERS1 is on the minus strand). VCF-style: chr19-18879356-T-C. GRCh37 (hg19) VCF-style: chr19-18990165-T-C.
Other names: c.491A>G, p.Lys164Arg (NM_001290265.2, NM_001387442.1, NM_001387443.1 and 2 more transcripts); c.785A>G, p.Lys262Arg (NM_001387439.1, NM_001387440.1, NM_198207.3); c.740A>G, p.Lys247Arg (NM_001387441.1); c.-538A>G (NM_001492.6); c.-313+4731A>G (NM_001387438.1); short protein forms K247R, K164R, K262R.
Identifiers: ClinVar variation 1355269 (VCV001355269.5), dbSNP rs1159373768, ClinGen allele CA404865617.
Genomic context (GRCh38, chr19:18,879,356, plus strand): 5'-AAGTAGAAGGGGATGTCAGGCACCGTGCGCAGACTGCAGTGACTGGTGGCATACAGGACC[T>C]TGAGCGGGAACCAGTAGAGGCGGAACCAGAACCTGCGGTGGGAGGAGTCAGGAGGCCGTG-3'
Protein context (NP_067090.1, residues 252-272): FWFRLYWFPL[Lys262Arg]VLYATSHCSL

ClinVar aggregate classification (germline): Uncertain significance (1 of 4 stars; one submission).

Conditions:
Progressive myoclonic epilepsy type 8. Identifiers: Orphanet 424027, MedGen C5190825, MONDO:0014545, OMIM 616230.

Allele frequency attached by ClinVar (database versions not stated): gnomAD 0.00001; gnomAD exomes 0.00001; TOPMed 0.00001.
gnomAD v4.1: 21 of 1,589,566 alleles (0.0013%); highest among the groups gnomAD compares: East Asian, 0.0023%; no homozygotes.

Submission:

Labcorp Genetics (formerly Invitae), Labcorp
Classification: Uncertain significance for Progressive myoclonic epilepsy type 8. Last evaluated: 2021-09-24. Review status: criteria provided, single submitter. Criteria: Invitae Variant Classification Sherloc (09022015). Collection method: clinical testing. Allele origin: germline.
Comment: This sequence change replaces lysine with arginine at codon 262 of the CERS1 protein (p.Lys262Arg). The lysine residue is highly conserved and there is a small physicochemical difference between lysine and arginine. This variant is not present in population databases (ExAC no frequency). This variant has not been reported in the literature in individuals with CERS1-related conditions. Algorithms developed to predict the effect of missense changes on protein structure and function are either unavailable or do not agree on the potential impact of this missense change (SIFT: "Tolerated"; PolyPhen-2: "Probably Damaging"; Align-GVGD: "Class C0"). Algorithms developed to predict the effect of sequence changes on RNA splicing suggest that this variant may create or strengthen a splice site, but this prediction has not been confirmed by published transcriptional studies. In summary, the available evidence is currently insufficient to determine the role of this variant in disease. Therefore, it has been classified as a Variant of Uncertain Significance.